The following is an entry in ClinVar:

ClinVar aggregate classification (germline): Likely pathogenic (1 of 4 stars; one submission).

Conditions:
Progressive sclerosing poliodystrophy (MTDPS4A). Also called: ALPERS PROGRESSIVE INFANTILE POLIODYSTROPHY; NEURONAL DEGENERATION OF CHILDHOOD WITH LIVER DISEASE, PROGRESSIVE; Alpers Syndrome; ALPERS DIFFUSE DEGENERATION OF CEREBRAL GRAY MATTER WITH HEPATIC CIRRHOSIS; Alpers-Huttenlocher Syndrome; Mitochondrial DNA Depletion Syndrome 4A. Identifiers: Orphanet 726, MedGen C0205710, MONDO:0008758, OMIM 203700.

Submission:

Labcorp Genetics (formerly Invitae), Labcorp
Classification: Likely pathogenic for Progressive sclerosing poliodystrophy. Last evaluated: 2023-02-02. Review status: criteria provided, single submitter. Criteria: Invitae Variant Classification Sherloc (09022015). Collection method: clinical testing. Allele origin: germline.
Comment: In summary, the currently available evidence indicates that the variant is pathogenic, but additional data are needed to prove that conclusively. Therefore, this variant has been classified as Likely Pathogenic. Algorithms developed to predict the effect of sequence changes on RNA splicing suggest that this variant may disrupt the consensus splice site. This variant has not been reported in the literature in individuals affected with POLG-related conditions. This variant is not present in population databases (gnomAD no frequency). This sequence change affects a donor splice site in intron 4 of the POLG gene. It is expected to disrupt RNA splicing. Variants that disrupt the donor or acceptor splice site typically lead to a loss of protein function (PMID: 16199547), and loss-of-function variants in POLG are known to be pathogenic (PMID: 18546365).

Literature cited by the submitters: PubMed 16199547; PubMed 18546365.

NM_002693.3(POLG):c.1023+1G>A

Gene: POLG (DNA polymerase gamma, catalytic subunit; minus strand). Cytogenetic location: 15q26.1.
Variant type: single nucleotide variant.
Coding change: c.1023+1G>A on transcript NM_002693.3 (MANE Select); the canonical splice donor site of the intron after coding-DNA position 1023, G replaced by A.
Molecular consequence: splice donor variant.
Genome position (GRCh38, 1-based): chr15:89,328,942, C>T on the plus strand (G>A on the coding strand, the complement: POLG is on the minus strand). VCF-style: chr15-89328942-C-T. GRCh37 (hg19) VCF-style: chr15-89872173-C-T.
Other names: c.1023+1G>A (NM_001126131.2).
Identifiers: ClinVar variation 2775893 (VCV002775893.3), dbSNP rs2509261900, ClinGen allele CA393765326.